The following is an entry in ClinVar:

NM_001034853.2(RPGR):c.2520_2521insAAGGGGGAAGAGGAGGAAGGG (p.Gly840_Glu841insLysGlyGluGluGluGluGly)

Gene: RPGR (retinitis pigmentosa GTPase regulator; minus strand). Cytogenetic location: Xp11.4.
Variant type: Insertion.
Coding change: c.2520_2521insAAGGGGGAAGAGGAGGAAGGG on transcript NM_001034853.2 (MANE Select); coding-DNA positions 2520 to 2521, AAGGGGGAAGAGGAGGAAGGG inserted.
Protein change: p.Gly840_Glu841insLysGlyGluGluGluGluGly.
Molecular consequence: intron variant (on NM_001367249.1).
Genome position: GRCh38 VCF-style: chrX-38286478-C-CCCCTTCCTCCTCTTCCCCCTT. GRCh37 (hg19) VCF-style: chrX-38145731-C-CCCCTTCCTCCTCTTCCCCCTT.
Other names: c.1569+4480_1569+4481insAGGGGGAAGAGGAGGAAGGGA (NM_001367249.1, NM_001367250.1); c.1902+615_1902+616insAGGGGGAAGAGGAGGAAGGGA (NM_001367245.1); c.1386+4480_1386+4481insAGGGGGAAGAGGAGGAAGGGA (NM_001367251.1); c.1719+615_1719+616insAGGGGGAAGAGGAGGAAGGGA (NM_001367246.1); c.1572+4480_1572+4481insAGGGGGAAGAGGAGGAAGGGA (NM_001367247.1); c.1905+615_1905+616insAGGGGGAAGAGGAGGAAGGGA (NM_000328.3); c.1602+4480_1602+4481insAGGGGGAAGAGGAGGAAGGGA (NM_001367248.1).
Identifiers: ClinVar variation 3689597 (VCV003689597.2).
Genomic context (GRCh38, chrX:38,286,478, plus strand): 5'-CTTCCTCCCCTTTCCCTTCTCCTTCCTCCTCTTCCCCCTCCCCTTCCTCCTCTTCCCCCT[C>CCCCTTCCTCCTCTTCCCCCTT]CCCTTCCTCCTCTTCCCCCTCACCCTCCTCCTCTTCCTCTTCCCTCTCTCCTTTCCCCTC-3'

ClinVar aggregate classification (germline): Uncertain significance (1 of 4 stars; one submission).

Conditions:
Primary ciliary dyskinesia. Also called: Ciliary dyskinesia. Identifiers: Orphanet 244, MedGen C0008780, MONDO:0016575, HP:0012265.

Submission:

Labcorp Genetics (formerly Invitae), Labcorp
Classification: Uncertain significance for Primary ciliary dyskinesia. Last evaluated: 2024-11-06. Review status: criteria provided, single submitter. Criteria: Invitae Variant Classification Sherloc (09022015). Collection method: clinical testing. Allele origin: germline.
Comment: This variant, c.2520_2521insAAGGGGGAAGAGGAGGAAGGG, results in the insertion of 7 amino acid(s) of the RPGR (ORF15) protein (p.Gly840_Glu841insLysGlyGluGluGluGluGly), but otherwise preserves the integrity of the reading frame. This variant is not present in population databases (gnomAD no frequency). This variant has not been reported in the literature in individuals affected with RPGR (ORF15)-related conditions. In summary, the available evidence is currently insufficient to determine the role of this variant in disease. Therefore, it has been classified as a Variant of Uncertain Significance.